The following is an entry in ClinVar:

NM_001165963.4(SCN1A):c.4046A>C (p.Asn1349Thr)

Genes: SCN1A (sodium voltage-gated channel alpha subunit 1; minus strand), LOC102724058 (uncharacterized LOC102724058; plus strand). Cytogenetic location: 2q24.3.
Variant type: single nucleotide variant.
Coding change: c.4046A>C on transcript NM_001165963.4 (MANE Select); coding-DNA position 4046, A replaced by C.
Protein change: p.Asn1349Thr; replaces asparagine 1349 with threonine.
Molecular consequence: missense variant. On other transcripts: non-coding transcript variant (1).
Genome position (GRCh38, 1-based): chr2:166,002,710, T>G on the plus strand (A>C on the coding strand, the complement: SCN1A is on the minus strand). VCF-style: chr2-166002710-T-G. GRCh37 (hg19) VCF-style: chr2-166859220-T-G.
Other names: c.3962A>C, p.Asn1321Thr (NM_001165964.3, NM_001353957.2, NM_001353958.2); c.4046A>C, p.Asn1349Thr (NM_001202435.3, NM_001353948.2); c.4013A>C, p.Asn1338Thr (NM_001353949.2, NM_001353950.2, NM_001353951.2 and 2 more transcripts); c.4010A>C, p.Asn1337Thr (NM_001353954.2, NM_001353955.2); c.3959A>C, p.Asn1320Thr (NM_001353960.2); c.1604A>C, p.Asn535Thr (NM_001353961.2); short protein forms N1321T, N1349T, N535T, N1320T, N1337T, N1338T.
Identifiers: ClinVar variation 2086559 (VCV002086559.4), dbSNP rs2468437652, ClinGen allele CA349050712.
Genomic context (GRCh38, chr2:166,002,710, plus strand): 5'-AACAAATTTACGCCCATGATGCTGAAAATTAGCCAGAATATAAGACAAACCAGAAGCACA[T>G]TCATGATGGATGGAATTGCTCCTAAAAGGGCATTCACAACCACCTAATACACAAATGGAA-3'
Protein context (NP_001159435.1, residues 1339-1359): ALLGAIPSIM[Asn1349Thr]VLLVCLIFWL

ClinVar aggregate classification (germline): Pathogenic (1 of 4 stars; one submission).

Conditions:
Early-infantile DEE. Also called: Ohtahara syndrome; Early infantile epileptic encephalopathy with suppression bursts; Early infantile epileptic encephalopathy. Identifiers: Orphanet 1934, MedGen C0393706, MONDO:0800491.

Submission:

Labcorp Genetics (formerly Invitae), Labcorp
Classification: Pathogenic for Early-infantile DEE. Last evaluated: 2022-06-17. Review status: criteria provided, single submitter. Criteria: Invitae Variant Classification Sherloc (09022015). Collection method: clinical testing. Allele origin: germline.
Comment: For these reasons, this variant has been classified as Pathogenic. Advanced modeling of protein sequence and biophysical properties (such as structural, functional, and spatial information, amino acid conservation, physicochemical variation, residue mobility, and thermodynamic stability) performed at Invitae indicates that this missense variant is expected to disrupt SCN1A protein function. This missense change has been observed in individual(s) with clinical features of SCN1A-related conditions (Invitae). In at least one individual the variant was observed to be de novo. This variant is not present in population databases (gnomAD no frequency). This sequence change replaces asparagine, which is neutral and polar, with threonine, which is neutral and polar, at codon 1349 of the SCN1A protein (p.Asn1349Thr).